The following is an entry in ClinVar:

ClinVar aggregate classification (germline): Uncertain significance. Review status: criteria provided, multiple submitters, no conflicts (2 of 4 stars). 2 submissions from 2 submitters: Uncertain significance (2). Last evaluated 2025-08-09.

Conditions:
Inborn genetic diseases. Identifiers: MedGen C0950123, MeSH D030342.

Submissions (2):

Ambry Genetics
Classification: Uncertain significance for Inborn genetic diseases. Last evaluated: 2025-08-09. Review status: criteria provided, single submitter. Criteria: Ambry Variant Classification Scheme 2023. Collection method: clinical testing. Allele origin: germline.

GeneDx
Classification: Uncertain significance. Last evaluated: 2024-08-05. Review status: criteria provided, single submitter. Criteria: GeneDx Variant Classification Process June 2021. Collection method: clinical testing. Allele origin: germline. Affected: yes.
Comment: Not observed at significant frequency in large population cohorts (gnomAD); In silico analysis supports that this missense variant has a deleterious effect on protein structure/function; Has not been previously published as pathogenic or benign to our knowledge

NM_015057.5(MYCBP2):c.12259G>A (p.Asp4087Asn)

Gene: MYCBP2 (MYC binding protein 2; minus strand). Cytogenetic location: 13q22.3.
Variant type: single nucleotide variant.
Coding change: c.12259G>A on transcript NM_015057.5 (MANE Select); coding-DNA position 12259, G replaced by A.
Protein change: p.Asp4087Asn; replaces aspartic acid 4087 with asparagine.
Molecular consequence: missense variant.
Genome position (GRCh38, 1-based): chr13:77,067,777, C>T on the plus strand (G>A on the coding strand, the complement: MYCBP2 is on the minus strand). VCF-style: chr13-77067777-C-T. GRCh37 (hg19) VCF-style: chr13-77641912-C-T.
Other names: short protein forms D4087N.
Identifiers: ClinVar variation 3603122 (VCV003603122.2).